The following is an entry in ClinVar:

NM_004629.2(FANCG):c.1409A>G (p.Lys470Arg)

Gene: FANCG (FA complementation group G; minus strand). Cytogenetic location: 9p13.3.
Variant type: single nucleotide variant.
Coding change: c.1409A>G on transcript NM_004629.2 (MANE Select); coding-DNA position 1409, A replaced by G.
Protein change: p.Lys470Arg; replaces lysine 470 with arginine.
Molecular consequence: missense variant.
Genome position (GRCh38, 1-based): chr9:35,075,489, T>C on the plus strand (A>G on the coding strand, the complement: FANCG is on the minus strand). VCF-style: chr9-35075489-T-C. GRCh37 (hg19) VCF-style: chr9-35075486-T-C.
Other names: short protein forms K470R.
Identifiers: ClinVar variation 3848461 (VCV003848461.1).

ClinVar aggregate classification (germline): Uncertain significance (1 of 4 stars; one submission).

Conditions:
Inborn genetic diseases. Identifiers: MedGen C0950123, MeSH D030342.

gnomAD v4.1: 3 of 1,613,926 alleles (0.00019%); highest among the groups gnomAD compares: Non-Finnish European, 0.00025%; no homozygotes.

Submission:

Ambry Genetics
Classification: Uncertain significance for Inborn genetic diseases. Last evaluated: 2025-03-07. Review status: criteria provided, single submitter. Criteria: Ambry Variant Classification Scheme 2023. Collection method: clinical testing. Allele origin: germline.
Comment: The p.K470R variant (also known as c.1409A>G), located in coding exon 10 of the FANCG gene, results from an A to G substitution at nucleotide position 1409. The lysine at codon 470 is replaced by arginine, an amino acid with highly similar properties. This amino acid position is conserved. In addition, this alteration is predicted to be tolerated by in silico analysis. Based on the available evidence, the clinical significance of this variant remains unclear.